The following is an entry in ClinVar:

ClinVar aggregate classification (germline): Uncertain significance (1 of 4 stars; one submission).

Submission:

GeneDx
Classification: Uncertain significance. Last evaluated: 2023-07-24. Review status: criteria provided, single submitter. Criteria: GeneDx Variant Classification Process June 2021. Collection method: clinical testing. Allele origin: germline. Affected: yes.
Comment: Not observed at significant frequency in large population cohorts (gnomAD); In silico analysis supports that this missense variant does not alter protein structure/function; Has not been previously published as pathogenic or benign to our knowledge

NM_005614.4(RHEB):c.460C>G (p.Gln154Glu)

Gene: RHEB (Ras homolog, mTORC1 binding; minus strand). Cytogenetic location: 7q36.1.
Variant type: single nucleotide variant.
Coding change: c.460C>G on transcript NM_005614.4 (MANE Select); coding-DNA position 460, C replaced by G.
Protein change: p.Gln154Glu; replaces glutamine 154 with glutamic acid.
Molecular consequence: missense variant.
Genome position (GRCh38, 1-based): chr7:151,470,573, G>C on the plus strand (C>G on the coding strand, the complement: RHEB is on the minus strand). VCF-style: chr7-151470573-G-C. GRCh37 (hg19) VCF-style: chr7-151167659-G-C.
Other names: short protein forms Q154E.
Identifiers: ClinVar variation 3361399 (VCV003361399.1).